The following is an entry in ClinVar:

ClinVar aggregate classification (germline): Benign/Likely benign. Review status: criteria provided, multiple submitters, no conflicts (2 of 4 stars). 5 submissions from 5 submitters: Benign (1); Likely benign (4). Last evaluated 2026-09-23.

Conditions:
Hereditary cancer-predisposing syndrome. Also called: Hereditary Cancer Syndrome; Hereditary neoplastic syndrome; Neoplastic Syndromes, Hereditary; Tumor predisposition. Identifiers: Orphanet 140162, MedGen C0027672, MeSH D009386, MONDO:0015356.
Cardiovascular phenotype. Identifiers: MedGen CN230736.
Neurofibromatosis, type 1 (NF1). Also called: VON RECKLINGHAUSEN DISEASE; NEUROFIBROMATOSIS, TYPE I, SOMATIC; Neurofibromatosis, type I; Peripheral type neurofibromatosis. Identifiers: Orphanet 636, MedGen C0027831, MONDO:0018975, OMIM 162200. Disease mechanism: loss of function.

Allele frequency attached by ClinVar (database versions not stated): TOPMed 0.00001; gnomAD exomes below 0.00001.
gnomAD v4.1: 1 of 1,613,516 alleles (0.000062%); highest among the groups gnomAD compares: East Asian, 0.0022%; no homozygotes.

Submissions (5):

Myriad Genetics, Inc.
Classification: Benign for Neurofibromatosis, type 1. Last evaluated: 2026-09-23. Review status: criteria provided, single submitter. Criteria: Myriad Autosomal Dominant, Autosomal Recessive and X-Linked Classification Criteria (2023). Collection method: clinical testing. Allele origin: unknown.
Comment: This variant is considered benign. This variant is a silent/synonymous amino acid change and it is not expected to impact splicing.

Labcorp Genetics (formerly Invitae), Labcorp
Classification: Likely benign for Neurofibromatosis, type 1. Last evaluated: 2025-11-17. Review status: criteria provided, single submitter. Criteria: Invitae Variant Classification Sherloc (09022015). Collection method: clinical testing. Allele origin: germline.

CeGaT Center for Human Genetics Tuebingen
Classification: Likely benign. Last evaluated: 2023-05-01. Review status: criteria provided, single submitter. Criteria: CeGaT Center For Human Genetics Tuebingen Variant Classification Criteria Version 2. Collection method: clinical testing. Allele origin: germline. Affected: yes. Observed: 1 variant allele.
Comment: NF1: PM2:Supporting, BP4, BP7

Blueprint Genetics
Classification: Likely benign. Last evaluated: 2019-09-30. Review status: criteria provided, single submitter. Criteria: ACMG Guidelines, 2015. Collection method: clinical testing. Allele origin: germline.

Ambry Genetics
Classification: Likely benign for Cardiovascular phenotype; Hereditary cancer-predisposing syndrome. Last evaluated: 2017-11-01. Review status: criteria provided, single submitter. Criteria: Ambry Variant Classification Scheme 2023. Collection method: clinical testing. Allele origin: germline.

NM_001042492.3(NF1):c.3081T>C (p.Asp1027=)

Gene: NF1 (neurofibromin 1; plus strand). Cytogenetic location: 17q11.2.
Variant type: single nucleotide variant.
Coding change: c.3081T>C on transcript NM_001042492.3 (MANE Select); coding-DNA position 3081, T replaced by C.
Protein change: p.Asp1027=; no amino-acid change (aspartic acid 1027 retained).
Molecular consequence: synonymous variant.
Genome position (GRCh38, 1-based): chr17:31,230,350, T>C. VCF-style: chr17-31230350-T-C. GRCh37 (hg19) VCF-style: chr17-29557368-T-C.
Other names: c.3081T>C, p.Asp1027= (NM_000267.4).
Identifiers: ClinVar variation 457621 (VCV000457621.37), dbSNP rs1555614532, ClinGen allele CA499231983.